The following is an entry in ClinVar:

NM_001401501.2(MUC16):c.43426C>T (p.Leu14476=)

Gene: MUC16 (mucin 16, cell surface associated; minus strand). Cytogenetic location: 19p13.2.
Variant type: single nucleotide variant.
Coding change: c.43426C>T on transcript NM_001401501.2 (MANE Select); coding-DNA position 43426, C replaced by T.
Protein change: p.Leu14476=; no amino-acid change (leucine 14476 retained).
Molecular consequence: synonymous variant.
Genome position (GRCh38, 1-based): chr19:8,886,846, G>A on the plus strand (C>T on the coding strand, the complement: MUC16 is on the minus strand). VCF-style: chr19-8886846-G-A. GRCh37 (hg19) VCF-style: chr19-8997522-G-A.
Other names: c.43852C>T, p.Leu14618= (NM_001414686.1); c.43306C>T, p.Leu14436= (NM_001414687.1); c.40900C>T, p.Leu13634= (NM_024690.2).
Identifiers: ClinVar variation 3037563 (VCV003037563.2), dbSNP rs750666789, ClinGen allele CA9163060.

ClinVar aggregate classification (germline): Likely benign (0 of 4 stars; one submission).

Conditions:
MUC16-related disorder. Also called: MUC16-related condition.

Allele frequency attached by ClinVar (database versions not stated): ExAC 0.00001; 1000 Genomes Project 30x 0.01124.

Submission:

PreventionGenetics, part of Exact Sciences
Classification: Likely benign for MUC16-related condition. Last evaluated: 2019-09-10. Review status: no assertion criteria provided. Collection method: clinical testing. Allele origin: germline.
Comment: This variant is classified as likely benign based on ACMG/AMP sequence variant interpretation guidelines (Richards et al. 2015 PMID: 25741868, with internal and published modifications).